The following is an entry in ClinVar:

ClinVar aggregate classification (germline): Conflicting classifications of pathogenicity. Review status: criteria provided, conflicting classifications (1 of 4 stars). 4 submissions from 4 submitters: Uncertain significance (3); Likely benign (1). Last evaluated 2025-09-27.

Conditions:
Cardiovascular phenotype. Identifiers: MedGen CN230736.
Cardiomyopathy (CMYO). Also called: Cardiomyopathies. Identifiers: Orphanet 167848, MedGen C0878544, MONDO:0004994, HP:0001638. Inheritance: Various modes of inheritance.
Arrhythmogenic cardiomyopathy with wooly hair and keratoderma. Also called: Carvajal syndrome; Dilated cardiomyopathy with woolly hair and keratoderma; Arrhythmogenic cardiomyopathy with woolly hair and keratoderma; PALMOPLANTAR KERATODERMA WITH LEFT VENTRICULAR CARDIOMYOPATHY AND WOOLLY HAIR. Identifiers: Orphanet 65282, MedGen C1854063, MONDO:0011581, OMIM 605676.
Arrhythmogenic right ventricular dysplasia 8 (ARVD8). Also called: ARRHYTHMOGENIC RIGHT VENTRICULAR DYSPLASIA, FAMILIAL, 8; ARRHYTHMOGENIC RIGHT VENTRICULAR CARDIOMYOPATHY 8; Arrhythmogenic Right Ventricular Dysplasia/Cardiomyopathy 8. Identifiers: MedGen C1843896, MONDO:0011831, OMIM 607450.

Allele frequency attached by ClinVar (database versions not stated): gnomAD 0.00001; gnomAD exomes 0.00001; TOPMed 0.00001.
gnomAD v4.1: 6 of 1,613,992 alleles (0.00037%); highest among the groups gnomAD compares: African/African-American, 0.004%; no homozygotes.

Submissions (4):

Labcorp Genetics (formerly Invitae), Labcorp
Classification: Likely benign for Arrhythmogenic cardiomyopathy with wooly hair and keratoderma; Arrhythmogenic right ventricular dysplasia 8. Last evaluated: 2025-09-27. Review status: criteria provided, single submitter. Criteria: Invitae Variant Classification Sherloc (09022015). Collection method: clinical testing. Allele origin: germline.

Color Diagnostics, LLC DBA Color Health
Classification: Uncertain significance for Cardiomyopathy. Last evaluated: 2024-07-10. Review status: criteria provided, single submitter. Criteria: ACMG Guidelines, 2015. Collection method: clinical testing. Allele origin: germline.
Comment: This missense variant replaces arginine with lysine at codon 265 of the DSP protein. Computational prediction suggests that this variant may have deleterious impact on protein structure and function (internally defined REVEL score threshold >= 0.7, PMID: 27666373). To our knowledge, functional studies have not been reported for this variant. This variant has not been reported in individuals affected with DSP-related disorders in the literature. This variant has been identified in 3/282724 chromosomes in the general population by the Genome Aggregation Database (gnomAD). The available evidence is insufficient to determine the role of this variant in disease conclusively. Therefore, this variant is classified as a Variant of Uncertain Significance.

Ambry Genetics
Classification: Uncertain significance for Cardiovascular phenotype. Last evaluated: 2023-09-29. Review status: criteria provided, single submitter. Criteria: Ambry Variant Classification Scheme 2023. Collection method: clinical testing. Allele origin: germline.
Comment: The p.R265K variant (also known as c.794G>A), located in coding exon 7 of the DSP gene, results from a G to A substitution at nucleotide position 794. The arginine at codon 265 is replaced by lysine, an amino acid with highly similar properties. This amino acid position is highly conserved in available vertebrate species. In addition, this alteration is predicted to be deleterious by in silico analysis. Since supporting evidence is limited at this time, the clinical significance of this alteration remains unclear.

GeneDx
Classification: Uncertain significance. Last evaluated: 2017-02-23. Review status: criteria provided, single submitter. Criteria: GeneDx Variant Classification (06012015). Collection method: clinical testing. Allele origin: germline. Affected: yes.
Comment: The R265K variant has not been published as pathogenic or been reported as benign to our knowledge. The R265K variant is not observed in large population cohorts (Lek et al., 2016; 1000 Genomes Consortium et al., 2015; Exome Variant Server). This substitution occurs at a position that is conserved across species. The majority of in silico analyses (2 out of 3) predict this variant is probably damaging to the protein structure/function. Nonetheless, the R265K variant is a conservative amino acid substitution, which is not likely to impact secondary protein structure as these residues share similar properties.

NM_004415.4(DSP):c.794G>A (p.Arg265Lys)

Gene: DSP (desmoplakin; plus strand). Cytogenetic location: 6p24.3.
Variant type: single nucleotide variant.
Coding change: c.794G>A on transcript NM_004415.4 (MANE Select); coding-DNA position 794, G replaced by A.
Protein change: p.Arg265Lys; replaces arginine 265 with lysine.
Molecular consequence: missense variant.
Genome position (GRCh38, 1-based): chr6:7,565,375, G>A. VCF-style: chr6-7565375-G-A. GRCh37 (hg19) VCF-style: chr6-7565608-G-A.
Other names: c.794G>A (LRG_423t1); c.794G>A, p.Arg265Lys (NM_001008844.3, NM_001319034.2); short protein forms R265K.
Identifiers: ClinVar variation 423457 (VCV000423457.16), dbSNP rs1064796438, ClinGen allele CA16618313.